The following is an entry in ClinVar:

ClinVar aggregate classification (germline): Pathogenic (1 of 4 stars; one submission).

Conditions:
Tuberous sclerosis 2 (TSC2). Identifiers: Orphanet 805, MedGen C1860707, MONDO:0013199, OMIM 613254.

Submission:

Labcorp Genetics (formerly Invitae), Labcorp
Classification: Pathogenic for Tuberous sclerosis 2. Last evaluated: 2017-11-22. Review status: criteria provided, single submitter. Criteria: Invitae Variant Classification Sherloc (09022015). Collection method: clinical testing. Allele origin: germline.
Comment: This variant is a gross deletion of the genomic region encompassing part of exon 31 of the TSC2 gene including the exon 31-intron 31 boundary (c.3641_3814+28del). This is expected to create a premature translational stop signal and result in an absent or disrupted protein product. Similar deletions have not been reported in the literature in individuals with TSC2-related disease. Loss-of-function variants in TSC2 are known to be pathogenic (PMID: 10205261, 17304050). For these reasons, this variant has been classified as Pathogenic.

NM_000548.5(TSC2):c.3641_3814+28del

Gene: TSC2 (TSC complex subunit 2; plus strand). Cytogenetic location: 16p13.3.
Variant type: Deletion.
Coding change: c.3641_3814+28del on transcript NM_000548.5 (MANE Select); coding-DNA position 3641 through 28 bases into the intron after coding-DNA position 3814, 202 bases deleted.
Molecular consequence: splice donor variant.
Genome position (GRCh38, 1-based): chr16:2,081,625-2,081,826, 202 bases deleted. GRCh37 (hg19): chr16:2,131,626-2,131,827.
Other names: c.3641_3814+28del (NM_001114382.3); c.3512_3685+28del (NM_021055.3, NM_001370405.1, NM_001363528.2); c.3509_3682+28del (NM_001370404.1, NM_001077183.3); c.3401_3574+28del (NM_001318827.2); c.2909_3082+28del (NM_001318831.2); c.3365_3538+28del (NM_001318829.2); c.3542_3715+28del (NM_001318832.2).
Identifiers: ClinVar variation 535979 (VCV000535979.1), dbSNP rs1555512330, ClinGen allele CA658798468.